The following is an entry in ClinVar:

ClinVar aggregate classification (germline): Uncertain significance (1 of 4 stars; one submission).

Allele frequency attached by ClinVar (database versions not stated): 1000 Genomes Project 0.00060; 1000 Genomes Project 30x 0.00062.
gnomAD v4.1: 129 of 1,613,974 alleles (0.008%); highest among the groups gnomAD compares: South Asian, 0.094%; no homozygotes.

Submission:

Labcorp Genetics (formerly Invitae), Labcorp
Classification: Uncertain significance. Last evaluated: 2022-09-24. Review status: criteria provided, single submitter. Criteria: Invitae Variant Classification Sherloc (09022015). Collection method: clinical testing. Allele origin: germline.
Comment: This sequence change replaces valine, which is neutral and non-polar, with isoleucine, which is neutral and non-polar, at codon 454 of the PNLIP protein (p.Val454Ile). This variant is present in population databases (rs148560679, gnomAD 0.1%), and has an allele count higher than expected for a pathogenic variant. This variant has not been reported in the literature in individuals affected with PNLIP-related conditions. Algorithms developed to predict the effect of missense changes on protein structure and function are either unavailable or do not agree on the potential impact of this missense change (SIFT: "Not Available"; PolyPhen-2: "Probably Damaging"; Align-GVGD: "Not Available"). In summary, the available evidence is currently insufficient to determine the role of this variant in disease. Therefore, it has been classified as a Variant of Uncertain Significance.

NM_000936.4(PNLIP):c.1360G>A (p.Val454Ile)

Gene: PNLIP (pancreatic lipase; plus strand). Cytogenetic location: 10q25.3.
Variant type: single nucleotide variant.
Coding change: c.1360G>A on transcript NM_000936.4 (MANE Select); coding-DNA position 1360, G replaced by A.
Protein change: p.Val454Ile; replaces valine 454 with isoleucine.
Molecular consequence: missense variant.
Genome position (GRCh38, 1-based): chr10:116,567,760, G>A. VCF-style: chr10-116567760-G-A. GRCh37 (hg19) VCF-style: chr10-118327272-G-A.
Other names: short protein forms V454I.
Identifiers: ClinVar variation 2147668 (VCV002147668.1), dbSNP rs148560679, ClinGen allele CA5706780.